The following is an entry in ClinVar:

ClinVar aggregate classification (germline): Uncertain significance. Review status: criteria provided, multiple submitters, no conflicts (2 of 4 stars). 3 submissions from 3 submitters: Uncertain significance (3). Last evaluated 2025-11-24.

Conditions:
Inborn genetic diseases. Identifiers: MedGen C0950123, MeSH D030342.
Isolated microphthalmia 4. Identifiers: Orphanet 2542, MedGen C2751307, MONDO:0013130, OMIM 613094.
Klippel-Feil syndrome 1, autosomal dominant (KFS1). Also called: CERVICAL VERTEBRAL FUSION, AUTOSOMAL DOMINANT. Identifiers: Orphanet 2345, MedGen C1861689, MONDO:0007306, OMIM 118100.
Leber congenital amaurosis 17 (LCA17). Identifiers: Orphanet 65, MedGen C3715164, MONDO:0014145, OMIM 615360.
Microphthalmia, isolated, with coloboma 6 (MCOPCB6). Also called: Microphthalmia with coloboma 6, digenic; Microphthalmia with coloboma 6; MICROPHTHALMIA/COLOBOMA 6. Identifiers: Orphanet 98938, MedGen C3150968, MONDO:0013376, OMIM 613703.

Allele frequency attached by ClinVar (database versions not stated): gnomAD exomes 0.00003 and 0.00001; gnomAD 0.00001; TOPMed 0.00001.
gnomAD v4.1: 5 of 1,569,468 alleles (0.00032%); highest among the groups gnomAD compares: Admixed American, 0.0073%; no homozygotes.

Submissions (3):

Labcorp Genetics (formerly Invitae), Labcorp
Classification: Uncertain significance for Isolated microphthalmia 4; Leber congenital amaurosis 17; Klippel-Feil syndrome 1, autosomal dominant; Microphthalmia, isolated, with coloboma 6. Last evaluated: 2025-11-24. Review status: criteria provided, single submitter. Criteria: Invitae Variant Classification Sherloc (09022015). Collection method: clinical testing. Allele origin: germline.
Comment: This sequence change replaces histidine, which is basic and polar, with proline, which is neutral and non-polar, at codon 185 of the GDF6 protein (p.His185Pro). This variant is present in population databases (rs763275206, gnomAD 0.02%). This variant has not been reported in the literature in individuals affected with GDF6-related conditions. ClinVar contains an entry for this variant (Variation ID: 1433785). Invitae Evidence Modeling of protein sequence and biophysical properties (such as structural, functional, and spatial information, amino acid conservation, physicochemical variation, residue mobility, and thermodynamic stability) indicates that this missense variant is not expected to disrupt GDF6 protein function with a negative predictive value of 80%. In summary, the available evidence is currently insufficient to determine the role of this variant in disease. Therefore, it has been classified as a Variant of Uncertain Significance.

Ambry Genetics
Classification: Uncertain significance for Inborn genetic diseases. Last evaluated: 2024-01-08. Review status: criteria provided, single submitter. Criteria: Ambry Variant Classification Scheme 2023. Collection method: clinical testing. Allele origin: germline.

Breakthrough Genomics
Classification: Uncertain significance. Review status: criteria provided, single submitter. Criteria: ACMG Guidelines, 2015. Collection method: not provided. Allele origin: germline. Inheritance: Autosomal recessive inheritance. Affected: yes.

NM_001001557.4(GDF6):c.554A>C (p.His185Pro)

Gene: GDF6 (growth differentiation factor 6; minus strand). Cytogenetic location: 8q22.1.
Variant type: single nucleotide variant.
Coding change: c.554A>C on transcript NM_001001557.4 (MANE Select); coding-DNA position 554, A replaced by C.
Protein change: p.His185Pro; replaces histidine 185 with proline.
Molecular consequence: missense variant.
Genome position (GRCh38, 1-based): chr8:96,145,377, T>G on the plus strand (A>C on the coding strand, the complement: GDF6 is on the minus strand). VCF-style: chr8-96145377-T-G. GRCh37 (hg19) VCF-style: chr8-97157605-T-G.
Other names: c.554A>C (NM_001001557.2); short protein forms H185P.
Identifiers: ClinVar variation 1433785 (VCV001433785.8), dbSNP rs763275206, ClinGen allele CA4815435.